The following is an entry in ClinVar:

NM_017534.6(MYH2):c.1216A>G (p.Arg406Gly)

Genes: MYH2 (myosin heavy chain 2; minus strand), MYHAS (myosin heavy chain gene cluster antisense RNA; plus strand). Cytogenetic location: 17p13.1.
Variant type: single nucleotide variant.
Coding change: c.1216A>G on transcript NM_017534.6 (MANE Select); coding-DNA position 1216, A replaced by G.
Protein change: p.Arg406Gly; replaces arginine 406 with glycine.
Molecular consequence: missense variant.
Genome position (GRCh38, 1-based): chr17:10,539,494, T>C on the plus strand (A>G on the coding strand, the complement: MYH2 is on the minus strand). VCF-style: chr17-10539494-T-C. GRCh37 (hg19) VCF-style: chr17-10442811-T-C.
Other names: c.1216A>G, p.Arg406Gly (NM_001100112.2); short protein forms R406G.
Identifiers: ClinVar variation 3764411 (VCV003764411.1).

ClinVar aggregate classification (germline): Uncertain significance (1 of 4 stars; one submission).

gnomAD v4.1: 4 of 1,614,188 alleles (0.00025%); highest among the groups gnomAD compares: Non-Finnish European, 0.00034%; no homozygotes.

Submission:

GeneDx
Classification: Uncertain significance. Last evaluated: 2024-08-19. Review status: criteria provided, single submitter. Criteria: GeneDx Variant Classification Process June 2021. Collection method: clinical testing. Allele origin: germline. Affected: yes.
Comment: Not observed at significant frequency in large population cohorts (gnomAD); In silico analysis supports that this missense variant has a deleterious effect on protein structure/function; Has not been previously published as pathogenic or benign to our knowledge